The following is an entry in ClinVar:

NM_052947.4(ALPK2):c.3856C>G (p.Pro1286Ala)

Genes: ALPK2 (alpha kinase 2; minus strand), LOC126862764 (BRD4-independent group 4 enhancer GRCh37_chr18:56202574-56203773; plus strand). Cytogenetic location: 18q21.31.
Variant type: single nucleotide variant.
Coding change: c.3856C>G on transcript NM_052947.4 (MANE Select); coding-DNA position 3856, C replaced by G.
Protein change: p.Pro1286Ala; replaces proline 1286 with alanine.
Molecular consequence: missense variant.
Genome position (GRCh38, 1-based): chr18:58,536,331, G>C on the plus strand (C>G on the coding strand, the complement: ALPK2 is on the minus strand). VCF-style: chr18-58536331-G-C. GRCh37 (hg19) VCF-style: chr18-56203563-G-C.
Other names: short protein forms P1286A.
Identifiers: ClinVar variation 1735556 (VCV001735556.2), dbSNP rs2051647338, ClinGen allele CA402565356.

ClinVar aggregate classification (germline): Uncertain significance (1 of 4 stars; one submission).

gnomAD v4.1: 11 of 1,614,190 alleles (0.00068%); highest among the groups gnomAD compares: Non-Finnish European, 0.00093%; no homozygotes.

Submission:

Ambry Genetics
Classification: Uncertain significance. Last evaluated: 2023-11-17. Review status: criteria provided, single submitter. Criteria: Ambry Variant Classification Scheme 2023. Collection method: clinical testing. Allele origin: germline.
Comment: The p.P1286A variant (also known as c.3856C>G), located in coding exon 4 of the ALPK2 gene, results from a C to G substitution at nucleotide position 3856. The proline at codon 1286 is replaced by alanine, an amino acid with highly similar properties. This amino acid position is conserved. In addition, this alteration is predicted to be tolerated by in silico analysis. Since supporting evidence is limited at this time, the clinical significance of this alteration remains unclear.